The following is an entry in ClinVar:

NM_004393.6(DAG1):c.2018A>G (p.Gln673Arg)

Gene: DAG1 (dystroglycan 1; plus strand). Cytogenetic location: 3p21.31.
Variant type: single nucleotide variant.
Coding change: c.2018A>G on transcript NM_004393.6 (MANE Select); coding-DNA position 2018, A replaced by G.
Protein change: p.Gln673Arg; replaces glutamine 673 with arginine.
Molecular consequence: missense variant.
Genome position (GRCh38, 1-based): chr3:49,532,529, A>G. VCF-style: chr3-49532529-A-G. GRCh37 (hg19) VCF-style: chr3-49569962-A-G.
Other names: c.2018A>G, p.Gln673Arg (NM_001177634.3, NM_001177635.3, NM_001177636.3 and 9 more transcripts); c.2018A>G (NM_004393.4); short protein forms Q673R.
Identifiers: ClinVar variation 2067646 (VCV002067646.5), dbSNP rs1433049354, ClinGen allele CA352796643.

ClinVar aggregate classification (germline): Uncertain significance. Review status: criteria provided, multiple submitters, no conflicts (2 of 4 stars). 2 submissions from 2 submitters: Uncertain significance (2). Last evaluated 2025-08-04.

Conditions:
Autosomal recessive limb-girdle muscular dystrophy type 2P. Also called: MUSCULAR DYSTROPHY, LIMB-GIRDLE, TYPE 2P; Limb-Girdle Muscular Dystrophy Type 9C; MUSCULAR DYSTROPHY-DYSTROGLYCANOPATHY, LIMB-GIRDLE, DAG1-RELATED. Identifiers: Orphanet 280333, MedGen C4511963, MONDO:0013440, OMIM 613818.
Muscular dystrophy-dystroglycanopathy (congenital with brain and eye anomalies), type A9. Also called: WALKER-WARBURG SYNDROME OR MUSCLE-EYE BRAIN DISEASE, DAG1-RELATED; Muscular dystrophy-dystroglycanopathy (congenital with brain and eye anomalies), type a, 9. Identifiers: Orphanet 370997, Orphanet 899, MedGen C4225291, MONDO:0014683, OMIM 616538.
Inborn genetic diseases. Identifiers: MedGen C0950123, MeSH D030342.

Allele frequency attached by ClinVar (database versions not stated): TOPMed 0.00001.
gnomAD v4.1: 2 of 1,613,962 alleles (0.00012%); no homozygotes.

Submissions (2):

Ambry Genetics
Classification: Uncertain significance for Inborn genetic diseases. Last evaluated: 2025-08-04. Review status: criteria provided, single submitter. Criteria: Ambry Variant Classification Scheme 2023. Collection method: clinical testing. Allele origin: germline.

Labcorp Genetics (formerly Invitae), Labcorp
Classification: Uncertain significance for Autosomal recessive limb-girdle muscular dystrophy type 2P; Muscular dystrophy-dystroglycanopathy (congenital with brain and eye anomalies), type A9. Last evaluated: 2022-01-05. Review status: criteria provided, single submitter. Criteria: Invitae Variant Classification Sherloc (09022015). Collection method: clinical testing. Allele origin: germline.
Comment: This sequence change replaces glutamine, which is neutral and polar, with arginine, which is basic and polar, at codon 673 of the DAG1 protein (p.Gln673Arg). This variant is present in population databases (no rsID available, gnomAD 0.0009%). This variant has not been reported in the literature in individuals affected with DAG1-related conditions. Algorithms developed to predict the effect of missense changes on protein structure and function are either unavailable or do not agree on the potential impact of this missense change (SIFT: "Tolerated"; PolyPhen-2: "Possibly Damaging"; Align-GVGD: "Class C0"). In summary, the available evidence is currently insufficient to determine the role of this variant in disease. Therefore, it has been classified as a Variant of Uncertain Significance.